The following is an entry in ClinVar:

NM_001039591.3(USP9X):c.1678C>T (p.Arg560Cys)

Gene: USP9X (ubiquitin specific peptidase 9 X-linked; plus strand). Cytogenetic location: Xp11.4.
Variant type: single nucleotide variant.
Coding change: c.1678C>T on transcript NM_001039591.3 (MANE Select); coding-DNA position 1678, C replaced by T.
Protein change: p.Arg560Cys; replaces arginine 560 with cysteine.
Molecular consequence: missense variant.
Genome position (GRCh38, 1-based): chrX:41,150,972, C>T. VCF-style: chrX-41150972-C-T. GRCh37 (hg19) VCF-style: chrX-41010225-C-T.
Other names: c.1678C>T, p.Arg560Cys (NM_001039590.3); short protein forms R560C.
Identifiers: ClinVar variation 1310320 (VCV001310320.3), dbSNP rs2147074932, ClinGen allele CA412774377.
Genomic context (GRCh38, chrX:41,150,972, plus strand): 5'-TTGTTTAAGGACCGTGATACACAAAAGATCCAATGGATAGATCGCTTTATAGAAGAACTT[C>T]GCACAAATGACAAATGGGTTATTCCCGCACTGAAACAAATTAGAGAAATTTGTAGTTTGT-3'
Protein context (NP_001034680.2, residues 550-570): QWIDRFIEEL[Arg560Cys]TNDKWVIPAL

ClinVar aggregate classification (germline): Uncertain significance (1 of 4 stars; one submission).

Allele frequency attached by ClinVar (database versions not stated): gnomAD exomes below 0.00001.
gnomAD v4.1: 2 of 1,207,308 alleles (0.00017%); highest among the groups gnomAD compares: African/African-American, 0.0017%; no homozygotes.

Submission:

GeneDx
Classification: Uncertain significance. Last evaluated: 2023-12-11. Review status: criteria provided, single submitter. Criteria: GeneDx Variant Classification Process June 2021. Collection method: clinical testing. Allele origin: germline. Affected: yes.
Comment: Has not been previously published as pathogenic or benign to our knowledge; Not observed at significant frequency in large population cohorts (gnomAD); In silico analysis supports that this missense variant has a deleterious effect on protein structure/function